The following is an entry in ClinVar:

NM_022168.4(IFIH1):c.1862A>T (p.Asp621Val)

Gene: IFIH1 (interferon induced with helicase C domain 1; minus strand). Cytogenetic location: 2q24.2.
Variant type: single nucleotide variant.
Coding change: c.1862A>T on transcript NM_022168.4 (MANE Select); coding-DNA position 1862, A replaced by T.
Protein change: p.Asp621Val; replaces aspartic acid 621 with valine.
Molecular consequence: missense variant.
Genome position (GRCh38, 1-based): chr2:162,277,597, T>A on the plus strand (A>T on the coding strand, the complement: IFIH1 is on the minus strand). VCF-style: chr2-162277597-T-A. GRCh37 (hg19) VCF-style: chr2-163134107-T-A.
Other names: c.1862A>T (NM_022168.3); short protein forms D621V.
Identifiers: ClinVar variation 2070705 (VCV002070705.5), dbSNP rs770726979, ClinGen allele CA1934368.

ClinVar aggregate classification (germline): Uncertain significance. Review status: criteria provided, multiple submitters, no conflicts (2 of 4 stars). 2 submissions from 2 submitters: Uncertain significance (2). Last evaluated 2025-01-16.

Conditions:
Singleton-Merten syndrome 1 (SGMRT1). Also called: Widened medullary cavities of bone, aortic calcification, abnormal dentition, and muscular weakness; Syndrome of widened medullary cavities of the metacarpals and phalanges, aortic calcification and abnormal dentition. Identifiers: Orphanet 85191, MedGen C4225427, MONDO:0024535, OMIM 182250.
Aicardi-Goutieres syndrome 7 (AGS7). Identifiers: Orphanet 51, MedGen C3888244, MONDO:0014367, OMIM 615846.

Allele frequency attached by ClinVar (database versions not stated): gnomAD exomes below 0.00001; ExAC 0.00001; gnomAD 0.00001; TOPMed 0.00001.
gnomAD v4.1: 9 of 1,613,034 alleles (0.00056%); highest among the groups gnomAD compares: Non-Finnish European, 0.00059%; no homozygotes.

Submissions (2):

GeneDx
Classification: Uncertain significance. Last evaluated: 2025-01-16. Review status: criteria provided, single submitter. Criteria: GeneDx Variant Classification Process June 2021. Collection method: clinical testing. Allele origin: germline. Affected: yes.
Comment: Not observed at significant frequency in large population cohorts (gnomAD); In silico analysis supports that this missense variant has a deleterious effect on protein structure/function; Has not been previously published as pathogenic or benign to our knowledge

Labcorp Genetics (formerly Invitae), Labcorp
Classification: Uncertain significance for Aicardi-Goutieres syndrome 7; Singleton-Merten syndrome 1. Last evaluated: 2024-06-05. Review status: criteria provided, single submitter. Criteria: Invitae Variant Classification Sherloc (09022015). Collection method: clinical testing. Allele origin: germline.
Comment: This sequence change replaces aspartic acid, which is acidic and polar, with valine, which is neutral and non-polar, at codon 621 of the IFIH1 protein (p.Asp621Val). This variant is present in population databases (rs770726979, gnomAD 0.0009%). This variant has not been reported in the literature in individuals affected with IFIH1-related conditions. ClinVar contains an entry for this variant (Variation ID: 2070705). Advanced modeling of protein sequence and biophysical properties (such as structural, functional, and spatial information, amino acid conservation, physicochemical variation, residue mobility, and thermodynamic stability) has been performed at Invitae for this missense variant, however the output from this modeling did not meet the statistical confidence thresholds required to predict the impact of this variant on IFIH1 protein function. In summary, the available evidence is currently insufficient to determine the role of this variant in disease. Therefore, it has been classified as a Variant of Uncertain Significance.